The following is an entry in ClinVar:

ClinVar aggregate classification (germline): Benign/Likely benign. Review status: criteria provided, multiple submitters, no conflicts (2 of 4 stars). 7 submissions from 7 submitters: Benign (1); Likely benign (5). 1 of the submissions does not count toward it. Last evaluated 2026-01-24.

Conditions:
Idiopathic Pulmonary Fibrosis. Also called: Idiopathic fibrosing alveolitis, chronic form; idiopathic fibrosing alveolitis. Identifiers: Orphanet 2032, MedGen C1800706, MeSH D054990, MONDO:0800504.
Dyskeratosis congenita, autosomal dominant 2. Identifiers: MedGen C3151443, MONDO:0013521, OMIM 613989.
TERT-related disorder. Also called: TERT-related condition; TERT-related disorders.
Melanoma, cutaneous malignant, susceptibility to, 9. Also called: Cutaneous malignant melanoma 9. Identifiers: Orphanet 618, MedGen C3554574, MONDO:0014056, OMIM 615134.
Dyskeratosis congenita. Identifiers: Orphanet 1775, MedGen C0265965, MONDO:0015780.

Allele frequency attached by ClinVar (database versions not stated): TOPMed 0.00004; gnomAD exomes 0.00005 and 0.00011; gnomAD 0.00006; ExAC 0.00017.
gnomAD v4.1: 81 of 1,456,742 alleles (0.0056%); highest among the groups gnomAD compares: Non-Finnish European, 0.003%; no homozygotes.

Submissions (7):

Labcorp Genetics (formerly Invitae), Labcorp
Classification: Likely benign for Dyskeratosis congenita, autosomal dominant 2; Idiopathic Pulmonary Fibrosis. Last evaluated: 2026-01-24. Review status: criteria provided, single submitter. Criteria: Invitae Variant Classification Sherloc (09022015). Collection method: clinical testing. Allele origin: germline.

Center for Genomic Medicine, Rigshospitalet, Copenhagen University Hospital
Classification: Likely benign. Last evaluated: 2025-12-29. Review status: criteria provided, single submitter. Criteria: ACMG Guidelines, 2015. Collection method: clinical testing. Allele origin: germline.

KCCC/NGS Laboratory, Kuwait Cancer Control Center
Classification: Benign for Melanoma, cutaneous malignant, susceptibility to, 9. Last evaluated: 2025-02-01. Review status: criteria provided, single submitter. Criteria: ACMG Guidelines, 2015. Collection method: clinical testing. Allele origin: germline. Affected: no.

Blueprint Genetics
Classification: Likely benign. Last evaluated: 2024-07-29. Review status: criteria provided, single submitter. Criteria: ACMG Guidelines, 2015. Collection method: clinical testing. Allele origin: germline.

Ambry Genetics
Classification: Likely benign for Dyskeratosis congenita. Last evaluated: 2022-02-21. Review status: criteria provided, single submitter. Criteria: Ambry Variant Classification Scheme 2023. Collection method: clinical testing. Allele origin: germline.

Genetic Services Laboratory, University of Chicago
Classification: Likely benign. Last evaluated: 2020-08-17. Review status: criteria provided, single submitter. Criteria: ACMG Guidelines, 2015. Collection method: clinical testing. Allele origin: germline. Affected: no.

PreventionGenetics, part of Exact Sciences
Classification: Likely benign for TERT-related condition. Last evaluated: 2022-04-24. Review status: no assertion criteria provided. Collection method: clinical testing. Allele origin: germline. Not counted in ClinVar's aggregate classification.
Comment: This variant is classified as likely benign based on ACMG/AMP sequence variant interpretation guidelines (Richards et al. 2015 PMID: 25741868, with internal and published modifications).

NM_198253.3(TERT):c.129C>T (p.Asp43=)

Genes: TERT (telomerase reverse transcriptase; minus strand), LOC110806263 (TERT 5' regulatory region; plus strand). Cytogenetic location: 5p15.33.
Variant type: single nucleotide variant.
Coding change: c.129C>T on transcript NM_198253.3 (MANE Select); coding-DNA position 129, C replaced by T.
Protein change: p.Asp43=; no amino-acid change (aspartic acid 43 retained).
Molecular consequence: synonymous variant. On other transcripts: non-coding transcript variant (2).
Genome position (GRCh38, 1-based): chr5:1,294,861, G>A on the plus strand (C>T on the coding strand, the complement: TERT is on the minus strand). VCF-style: chr5-1294861-G-A. GRCh37 (hg19) VCF-style: chr5-1294976-G-A.
Other names: c.129C>T, p.Asp43= (NM_001193376.3).
Identifiers: ClinVar variation 416281 (VCV000416281.60), dbSNP rs772537721, ClinGen allele CA3185023.